The following is an entry in ClinVar:

NM_000540.3(RYR1):c.13438-18T>C

Gene: RYR1 (ryanodine receptor 1; plus strand). Cytogenetic location: 19q13.2.
Variant type: single nucleotide variant.
Coding change: c.13438-18T>C on transcript NM_000540.3 (MANE Select); 18 bases into the intron before coding-DNA position 13438, T replaced by C.
Molecular consequence: intron variant.
Genome position (GRCh38, 1-based): chr19:38,566,893, T>C. VCF-style: chr19-38566893-T-C. GRCh37 (hg19) VCF-style: chr19-39057533-T-C.
Other names: c.13423-18T>C (NM_001042723.2).
Identifiers: ClinVar variation 511847 (VCV000511847.4), dbSNP rs1555800500, ClinGen allele CA658799217.

ClinVar aggregate classification (germline): Likely benign. Review status: criteria provided, multiple submitters, no conflicts (2 of 4 stars). 2 submissions from 2 submitters: Likely benign (2). Last evaluated 2024-11-14.

Conditions:
RYR1-related disorder. Also called: RYR1-related condition; RYR1-related disorders. Identifiers: MedGen CN239331.

Allele frequency attached by ClinVar (database versions not stated): gnomAD 0.00001.
gnomAD v4.1: 2 of 1,598,080 alleles (0.00013%); highest among the groups gnomAD compares: African/African-American, 0.0027%; no homozygotes.

Submissions (2):

Labcorp Genetics (formerly Invitae), Labcorp
Classification: Likely benign for RYR1-related disorder. Last evaluated: 2024-11-14. Review status: criteria provided, single submitter. Criteria: Invitae Variant Classification Sherloc (09022015). Collection method: clinical testing. Allele origin: germline.

GeneDx
Classification: Likely benign. Last evaluated: 2017-09-05. Review status: criteria provided, single submitter. Criteria: GeneDx Variant Classification (06012015). Collection method: clinical testing. Allele origin: germline. Affected: yes.
Comment: This variant is considered likely benign or benign based on one or more of the following criteria: it is a conservative change, it occurs at a poorly conserved position in the protein, it is predicted to be benign by multiple in silico algorithms, and/or has population frequency not consistent with disease.